The following is an entry in ClinVar:

NM_003072.5(SMARCA4):c.2619C>G (p.Ile873Met)

Gene: SMARCA4 (SWI/SNF related BAF chromatin remodeling complex subunit ATPase 4; plus strand). Cytogenetic location: 19p13.2.
Variant type: single nucleotide variant.
Coding change: c.2619C>G on transcript NM_003072.5 (MANE Select); coding-DNA position 2619, C replaced by G.
Protein change: p.Ile873Met; replaces isoleucine 873 with methionine.
Molecular consequence: missense variant. On other transcripts: non-coding transcript variant (1).
Genome position (GRCh38, 1-based): chr19:11,021,727, C>G. VCF-style: chr19-11021727-C-G. GRCh37 (hg19) VCF-style: chr19-11132403-C-G.
Other names: c.2619C>G, p.Ile873Met (NM_001128844.3, NM_001128845.2, NM_001128846.2 and 6 more transcripts); short protein forms I873M.
Identifiers: ClinVar variation 4734077 (VCV004734077.1).

ClinVar aggregate classification (germline): Uncertain significance (1 of 4 stars; one submission).

Conditions:
Rhabdoid tumor predisposition syndrome 2 (RTPS2). Identifiers: Orphanet 231108, Orphanet 69077, MedGen C2750074, MONDO:0013224, OMIM 613325.

Submission:

Labcorp Genetics (formerly Invitae), Labcorp
Classification: Uncertain significance for Rhabdoid tumor predisposition syndrome 2. Last evaluated: 2025-12-24. Review status: criteria provided, single submitter. Criteria: Invitae Variant Classification Sherloc (09022015). Collection method: clinical testing. Allele origin: germline.
Comment: This sequence change replaces isoleucine, which is neutral and non-polar, with methionine, which is neutral and non-polar, at codon 873 of the SMARCA4 protein (p.Ile873Met). This variant is not present in population databases (gnomAD no frequency). This variant has not been reported in the literature in individuals affected with SMARCA4-related conditions. An algorithm developed to predict the effect of missense changes on protein structure and function (PolyPhen-2) suggests that this variant is likely to be disruptive. In summary, the available evidence is currently insufficient to determine the role of this variant in disease. Therefore, it has been classified as a Variant of Uncertain Significance.